The following is an entry in ClinVar:

ClinVar aggregate classification (germline): Likely benign (1 of 4 stars; one submission).

Submission:

Women's Health and Genetics/Laboratory Corporation of America, LabCorp
Classification: Likely benign. Last evaluated: 2026-05-12. Review status: criteria provided, single submitter. Criteria: LabCorp Variant Classification Summary - May 2015. Collection method: clinical testing. Allele origin: germline.
Comment: Variant summary: ARID1B c.1987-29758_1987-29757delCT is located at a position not widely known to affect splicing. The frequency data for this variant in gnomAD is considered unreliable, as metrics indicate poor data quality at this position. To our knowledge, no occurrence of c.1987-29758_1987-29757delCT in individuals affected with ARID1B-related conditions and no experimental evidence demonstrating its impact on protein function have been reported. No submitters have cited clinical-significance assessments for this variant to ClinVar. Based on the evidence outlined above, the variant was classified as likely benign.

NM_001374828.1(ARID1B):c.1987-29758_1987-29757del

Gene: ARID1B (AT-rich interaction domain 1B; plus strand). Cytogenetic location: 6q25.3.
Variant type: Microsatellite.
Coding change: c.1987-29758_1987-29757del on transcript NM_001374828.1 (MANE Select); 29758 bases into the intron before coding-DNA position 1987 through 29757 bases into the intron before coding-DNA position 1987, 2 bases deleted (CT; older notation c.1987-29758_1987-29757delCT).
Molecular consequence: intron variant. On other transcripts: frameshift variant (2).
Genome position (GRCh38, 1-based): chr6:156,871,618-156,871,619, CT deleted; deleting any 2 consecutive bases within chr6:156,871,616-156,871,619 gives the same sequence; the c. name uses the placement nearest the transcript's 3' end. VCF-style (leftmost placement, unchanged base first): chr6-156871615-ACT-A. GRCh37 (hg19) VCF-style: chr6-157192749-ACT-A.
Other names: c.1987-29758_1987-29757delCT (NM_001374828.1); c.1991_1992del, p.Ser664fs (NM_001371656.1, NM_001374820.1); c.1987-29758_1987-29757del (NM_001438483.1, NM_001438486.1, NM_001438482.1 and 7 more transcripts); short protein forms S664fs.
Identifiers: ClinVar variation 4853191 (VCV004853191.1).